The following is an entry in ClinVar:

NM_022167.4(XYLT2):c.1738C>T (p.Leu580Phe)

Gene: XYLT2 (xylosyltransferase 2; plus strand). Cytogenetic location: 17q21.33.
Variant type: single nucleotide variant.
Coding change: c.1738C>T on transcript NM_022167.4 (MANE Select); coding-DNA position 1738, C replaced by T.
Protein change: p.Leu580Phe; replaces leucine 580 with phenylalanine.
Molecular consequence: missense variant.
Genome position (GRCh38, 1-based): chr17:50,356,766, C>T. VCF-style: chr17-50356766-C-T. GRCh37 (hg19) VCF-style: chr17-48434127-C-T.
Other names: short protein forms L580F.
Identifiers: ClinVar variation 2098509 (VCV002098509.4), dbSNP rs779329565, ClinGen allele CA8646536.

ClinVar aggregate classification (germline): Uncertain significance (1 of 4 stars; one submission).

Allele frequency attached by ClinVar (database versions not stated): TOPMed below 0.00001; ExAC 0.00001; gnomAD 0.00001.
gnomAD v4.1: 2 of 1,602,242 alleles (0.00012%); highest among the groups gnomAD compares: Non-Finnish European, 0.000085%; no homozygotes.

Submission:

Labcorp Genetics (formerly Invitae), Labcorp
Classification: Uncertain significance. Last evaluated: 2022-02-18. Review status: criteria provided, single submitter. Criteria: Invitae Variant Classification Sherloc (09022015). Collection method: clinical testing. Allele origin: germline.
Comment: In summary, the available evidence is currently insufficient to determine the role of this variant in disease. Therefore, it has been classified as a Variant of Uncertain Significance. Algorithms developed to predict the effect of missense changes on protein structure and function (SIFT, PolyPhen-2, Align-GVGD) all suggest that this variant is likely to be tolerated. This variant has not been reported in the literature in individuals affected with XYLT2-related conditions. This variant is present in population databases (rs779329565, gnomAD 0.003%). This sequence change replaces leucine, which is neutral and non-polar, with phenylalanine, which is neutral and non-polar, at codon 580 of the XYLT2 protein (p.Leu580Phe).